The following is an entry in ClinVar:

NM_004943.2(DMWD):c.360C>T (p.Gly120=)

Gene: DMWD (DM1 locus, WD repeat containing; minus strand). Cytogenetic location: 19q13.32.
Variant type: single nucleotide variant.
Coding change: c.360C>T on transcript NM_004943.2 (MANE Select); coding-DNA position 360, C replaced by T.
Protein change: p.Gly120=; no amino-acid change (glycine 120 retained).
Molecular consequence: synonymous variant.
Genome position (GRCh38, 1-based): chr19:45,792,397, G>A on the plus strand (C>T on the coding strand, the complement: DMWD is on the minus strand). VCF-style: chr19-45792397-G-A. GRCh37 (hg19) VCF-style: chr19-46295655-G-A.
Identifiers: ClinVar variation 3038433 (VCV003038433.2), dbSNP rs568553065, ClinGen allele CA9522370.

ClinVar aggregate classification (germline): Benign (0 of 4 stars; one submission).

Conditions:
DMWD-related disorder. Also called: DMWD-related condition.

Allele frequency attached by ClinVar (database versions not stated): gnomAD exomes 0.00078; 1000 Genomes Project 30x 0.00172; 1000 Genomes Project 0.00180; ExAC 0.00241.
gnomAD v4.1: 1,170 of 1,593,982 alleles (0.073%); highest among the groups gnomAD compares: South Asian, 1.3%; 23 homozygotes.

Submission:

PreventionGenetics, part of Exact Sciences
Classification: Benign for DMWD-related condition. Last evaluated: 2019-11-16. Review status: no assertion criteria provided. Collection method: clinical testing. Allele origin: germline.
Comment: This variant is classified as benign based on ACMG/AMP sequence variant interpretation guidelines (Richards et al. 2015 PMID: 25741868, with internal and published modifications).